The following is an entry in ClinVar:

ClinVar aggregate classification (germline): Uncertain significance. Review status: criteria provided, multiple submitters, no conflicts (2 of 4 stars). 2 submissions from 2 submitters: Uncertain significance (2). Last evaluated 2026-04-04.

Conditions:
Inborn genetic diseases. Identifiers: MedGen C0950123, MeSH D030342.

gnomAD v4.1: 1 of 1,612,606 alleles (0.000062%); no homozygotes.

Submissions (2):

Ambry Genetics
Classification: Uncertain significance for Inborn genetic diseases. Last evaluated: 2026-04-04. Review status: criteria provided, single submitter. Criteria: Ambry Variant Classification Scheme 2023. Collection method: clinical testing. Allele origin: germline.
Comment: The p.W955R variant (also known as c.2863T>C), located in coding exon 1 of the SAMD9L gene, results from a T to C substitution at nucleotide position 2863. The tryptophan at codon 955 is replaced by arginine, an amino acid with dissimilar properties. This amino acid position is conserved. In addition, this alteration is predicted to be tolerated by in silico analysis. Based on the available evidence, the clinical significance of this variant remains unclear.

Labcorp Genetics (formerly Invitae), Labcorp
Classification: Uncertain significance. Last evaluated: 2022-03-30. Review status: criteria provided, single submitter. Criteria: Invitae Variant Classification Sherloc (09022015). Collection method: clinical testing. Allele origin: germline.
Comment: In summary, the available evidence is currently insufficient to determine the role of this variant in disease. Therefore, it has been classified as a Variant of Uncertain Significance. Algorithms developed to predict the effect of missense changes on protein structure and function are either unavailable or do not agree on the potential impact of this missense change (SIFT: "Not Available"; PolyPhen-2: "Benign"; Align-GVGD: "Not Available"). This variant has not been reported in the literature in individuals affected with SAMD9L-related conditions. This variant is not present in population databases (gnomAD no frequency). This sequence change replaces tryptophan, which is neutral and slightly polar, with arginine, which is basic and polar, at codon 955 of the SAMD9L protein (p.Trp955Arg).

NM_152703.5(SAMD9L):c.2863T>C (p.Trp955Arg)

Gene: SAMD9L (sterile alpha motif domain containing 9 like; minus strand). Cytogenetic location: 7q21.2.
Variant type: single nucleotide variant.
Coding change: c.2863T>C on transcript NM_152703.5 (MANE Select); coding-DNA position 2863, T replaced by C.
Protein change: p.Trp955Arg; replaces tryptophan 955 with arginine.
Molecular consequence: missense variant.
Genome position (GRCh38, 1-based): chr7:93,133,109, A>G on the plus strand (T>C on the coding strand, the complement: SAMD9L is on the minus strand). VCF-style: chr7-93133109-A-G. GRCh37 (hg19) VCF-style: chr7-92762422-A-G.
Other names: c.2863T>C, p.Trp955Arg (NM_001350085.2, NM_001303496.3, NM_001303497.3 and 5 more transcripts); c.2863T>C (NM_152703.2); short protein forms W955R.
Identifiers: ClinVar variation 2119655 (VCV002119655.5), dbSNP rs1792215865, ClinGen allele CA368186236.